The following is an entry in ClinVar:

NM_004370.6(COL12A1):c.8927C>A (p.Pro2976His)

Gene: COL12A1 (collagen type XII alpha 1 chain; minus strand). Cytogenetic location: 6q13.
Variant type: single nucleotide variant.
Coding change: c.8927C>A on transcript NM_004370.6 (MANE Select); coding-DNA position 8927, C replaced by A.
Protein change: p.Pro2976His; replaces proline 2976 with histidine.
Molecular consequence: missense variant.
Genome position (GRCh38, 1-based): chr6:75,090,124, G>T on the plus strand (C>A on the coding strand, the complement: COL12A1 is on the minus strand). VCF-style: chr6-75090124-G-T. GRCh37 (hg19) VCF-style: chr6-75799840-G-T.
Other names: c.5435C>A, p.Pro1812His (NM_080645.3); short protein forms P1812H, P2976H.
Identifiers: ClinVar variation 1318525 (VCV001318525.12), dbSNP rs748714098, ClinGen allele CA3892082.

ClinVar aggregate classification (germline): Uncertain significance. Review status: criteria provided, multiple submitters, no conflicts (2 of 4 stars). 3 submissions from 3 submitters: Uncertain significance (3). Last evaluated 2023-06-04.

Conditions:
Ullrich congenital muscular dystrophy 2 (UCMD2). Identifiers: Orphanet 75840, MedGen C4225314, MONDO:0014654, OMIM 616470.
Bethlem myopathy 2 (BTHLM2). Identifiers: Orphanet 536516, Orphanet 610, MedGen C4225313, MONDO:0034022, OMIM 616471.

Allele frequency attached by ClinVar (database versions not stated): gnomAD 0.00001; gnomAD exomes 0.00001; TOPMed 0.00001; ExAC 0.00002.
gnomAD v4.1: 44 of 1,613,312 alleles (0.0027%); highest among the groups gnomAD compares: Non-Finnish European, 0.0034%; no homozygotes.

Submissions (3):

Labcorp Genetics (formerly Invitae), Labcorp
Classification: Uncertain significance for Bethlem myopathy 2; Ullrich congenital muscular dystrophy 2. Last evaluated: 2023-06-04. Review status: criteria provided, single submitter. Criteria: Invitae Variant Classification Sherloc (09022015). Collection method: clinical testing. Allele origin: germline.
Comment: This sequence change replaces proline, which is neutral and non-polar, with histidine, which is basic and polar, at codon 2976 of the COL12A1 protein (p.Pro2976His). This variant is present in population databases (rs748714098, gnomAD 0.003%). In summary, the available evidence is currently insufficient to determine the role of this variant in disease. Therefore, it has been classified as a Variant of Uncertain Significance. An algorithm developed to predict the effect of missense changes on protein structure and function (PolyPhen-2) suggests that this variant is likely to be disruptive. ClinVar contains an entry for this variant (Variation ID: 1318525). This variant has not been reported in the literature in individuals affected with COL12A1-related conditions.

GeneDx
Classification: Uncertain significance. Last evaluated: 2022-09-19. Review status: criteria provided, single submitter. Criteria: GeneDx Variant Classification Process June 2021. Collection method: clinical testing. Allele origin: germline. Affected: yes.
Comment: Has not been previously published as pathogenic or benign to our knowledge; Not observed at significant frequency in large population cohorts (gnomAD); In silico analysis supports that this missense variant does not alter protein structure/function

Revvity Omics, Revvity
Classification: Uncertain significance. Last evaluated: 2019-03-25. Review status: criteria provided, single submitter. Criteria: ACMG Guidelines, 2015. Collection method: clinical testing. Allele origin: germline.